The following is an entry in ClinVar:

NM_000179.3(MSH6):c.10C>G (p.Gln4Glu)

Gene: MSH6 (mutS homolog 6; plus strand). Cytogenetic location: 2p16.3.
Variant type: single nucleotide variant.
Coding change: c.10C>G on transcript NM_000179.3 (MANE Select); coding-DNA position 10, C replaced by G.
Protein change: p.Gln4Glu; replaces glutamine 4 with glutamic acid.
Molecular consequence: missense variant. On other transcripts: 5 prime UTR variant (8), non-coding transcript variant (5), intron variant (5).
Genome position (GRCh38, 1-based): chr2:47,783,243, C>G. VCF-style: chr2-47783243-C-G. GRCh37 (hg19) VCF-style: chr2-48010382-C-G.
Other names: c.10C>G, p.Gln4Glu (NM_001281492.2, NM_001406795.1, NM_001406796.1 and 9 more transcripts); c.-727C>G (NM_001281493.2, NM_001406811.1); c.-319C>G (NM_001406799.1); c.-46C>G (NM_001406804.1); c.-919C>G (NM_001406807.1); c.-574C>G (NM_001406812.1); c.-985C>G (NM_001406814.1); c.-530C>G (NM_001406816.1); and 3 more; short protein forms Q4E.
Identifiers: ClinVar variation 2789838 (VCV002789838.3), dbSNP rs786201042, ClinGen allele CA346734475.

ClinVar aggregate classification (germline): Uncertain significance (1 of 4 stars; one submission).

Conditions:
Hereditary nonpolyposis colorectal neoplasms. Identifiers: MedGen C0009405, MeSH D003123.

gnomAD v4.1: 2 of 1,611,596 alleles (0.00012%); highest among the groups gnomAD compares: Non-Finnish European, 0.00017%; no homozygotes.

Submission:

Labcorp Genetics (formerly Invitae), Labcorp
Classification: Uncertain significance for Hereditary nonpolyposis colorectal neoplasms. Last evaluated: 2024-04-08. Review status: criteria provided, single submitter. Criteria: Invitae Variant Classification Sherloc (09022015). Collection method: clinical testing. Allele origin: germline.
Comment: This sequence change replaces glutamine, which is neutral and polar, with glutamic acid, which is acidic and polar, at codon 4 of the MSH6 protein (p.Gln4Glu). This variant is not present in population databases (gnomAD no frequency). This variant has not been reported in the literature in individuals affected with MSH6-related conditions. Advanced modeling of protein sequence and biophysical properties (such as structural, functional, and spatial information, amino acid conservation, physicochemical variation, residue mobility, and thermodynamic stability) performed at Invitae indicates that this missense variant is not expected to disrupt MSH6 protein function with a negative predictive value of 95%. In summary, the available evidence is currently insufficient to determine the role of this variant in disease. Therefore, it has been classified as a Variant of Uncertain Significance.